The following is an entry in ClinVar:

ClinVar aggregate classification (germline): Benign. Review status: criteria provided, multiple submitters, no conflicts (2 of 4 stars). 7 submissions from 7 submitters: Benign (7). Last evaluated 2026-02-04.

Conditions:
Intestinal hypomagnesemia 1. Also called: HYPOMAGNESEMIA, INTESTINAL, WITH SECONDARY HYPOCALCEMIA; HYPOMAGNESEMIC TETANY. Identifiers: Orphanet 30924, MedGen C1865974, MONDO:0011176, OMIM 602014.

Allele frequency attached by ClinVar (database versions not stated): gnomAD exomes 0.17650 and 0.20070; ExAC 0.21123; gnomAD 0.22975 and 0.23247; ESP Exome Variant Server 0.23543; TOPMed 0.24047; 1000 Genomes Project 0.29493; 1000 Genomes Project 30x 0.29497.
gnomAD v4.1: 293,978 of 1,611,138 alleles (18%); highest among the groups gnomAD compares: African/African-American, 40%; 31,413 homozygotes.

Submissions (7):

Labcorp Genetics (formerly Invitae), Labcorp
Classification: Benign. Last evaluated: 2026-02-04. Review status: criteria provided, single submitter. Criteria: Invitae Variant Classification Sherloc (09022015). Collection method: clinical testing. Allele origin: germline.

Blueprint Genetics
Classification: Benign. Last evaluated: 2024-11-27. Review status: criteria provided, single submitter. Criteria: ACMG Guidelines, 2015. Collection method: clinical testing. Allele origin: germline.

Mayo Clinic Laboratories, Mayo Clinic
Classification: Benign. Last evaluated: 2022-03-09. Review status: criteria provided, single submitter. Criteria: ACMG Guidelines, 2015. Collection method: clinical testing. Allele origin: germline. Observed: 66 variant alleles.

Genome-Nilou Lab
Classification: Benign for Intestinal hypomagnesemia 1. Last evaluated: 2021-09-10. Review status: criteria provided, single submitter. Criteria: ACMG Guidelines, 2015. Collection method: clinical testing. Allele origin: germline. Affected: no.

GeneDx
Classification: Benign. Last evaluated: 2018-11-12. Review status: criteria provided, single submitter. Criteria: GeneDx Variant Classification Process June 2021. Collection method: clinical testing. Allele origin: germline. Affected: yes.

Illumina Laboratory Services, Illumina
Classification: Benign for Intestinal hypomagnesemia 1. Last evaluated: 2018-01-13. Review status: criteria provided, single submitter. Criteria: ICSL Variant Classification Criteria 13 December 2019. Collection method: clinical testing. Allele origin: germline.
Comment: This variant was observed in the ICSL laboratory as part of a predisposition screen in an ostensibly healthy population. It had not been previously curated by ICSL or reported in the Human Gene Mutation Database (HGMD: prior to June 1st, 2018), and was therefore a candidate for classification through an automated scoring system. Utilizing variant allele frequency, disease prevalence and penetrance estimates, and inheritance mode, an automated score was calculated to assess if this variant is too frequent to cause the disease. Based on the score and internal cut-off values, a variant classified as benign is not then subjected to further curation. The score for this variant resulted in a classification of benign for this disease.

Breakthrough Genomics
Classification: Benign. Review status: criteria provided, single submitter. Criteria: ACMG Guidelines, 2015. Collection method: not provided. Allele origin: germline. Inheritance: Autosomal recessive inheritance. Affected: yes.

NM_017662.5(TRPM6):c.4750A>G (p.Lys1584Glu)

Gene: TRPM6 (transient receptor potential cation channel subfamily M member 6; minus strand). Cytogenetic location: 9q21.13.
Variant type: single nucleotide variant.
Coding change: c.4750A>G on transcript NM_017662.5 (MANE Select); coding-DNA position 4750, A replaced by G.
Protein change: p.Lys1584Glu; replaces lysine 1584 with glutamic acid.
Molecular consequence: missense variant.
Genome position (GRCh38, 1-based): chr9:74,761,731, T>C on the plus strand (A>G on the coding strand, the complement: TRPM6 is on the minus strand). VCF-style: chr9-74761731-T-C. GRCh37 (hg19) VCF-style: chr9-77376647-T-C.
Other names: c.4735A>G, p.Lys1579Glu (NM_001177310.2, NM_001177311.2); short protein forms K1584E, K1579E.
Identifiers: ClinVar variation 367301 (VCV000367301.20), dbSNP rs2274924, ClinGen allele CA5084035.
Genomic context (GRCh38, chr9:74,761,731, plus strand): 5'-AAAGACAGAATAACAGTACACTTACTGGCACCTGGAGTCCTTGAGTATTCTTCTTTTTCT[T>C]TGACAGTCTCCTGTCTTTGGTTAGCATTTTCGCTTTGACCCATGCTCCCTGCCCTATTTC-3'
Protein context (NP_060132.3, residues 1574-1594): KMLTKDRRLS[Lys1584Glu]KKKNTQGLQV